The following is an entry in ClinVar:

NM_021954.4(GJA3):c.673C>G (p.Leu225Val)

Gene: GJA3 (gap junction protein alpha 3; minus strand). Cytogenetic location: 13q12.11.
Variant type: single nucleotide variant.
Coding change: c.673C>G on transcript NM_021954.4 (MANE Select); coding-DNA position 673, C replaced by G.
Protein change: p.Leu225Val; replaces leucine 225 with valine.
Molecular consequence: missense variant.
Genome position (GRCh38, 1-based): chr13:20,142,616, G>C on the plus strand (C>G on the coding strand, the complement: GJA3 is on the minus strand). VCF-style: chr13-20142616-G-C. GRCh37 (hg19) VCF-style: chr13-20716755-G-C.
Other names: short protein forms L225V.
Identifiers: ClinVar variation 2047697 (VCV002047697.4), dbSNP rs752524182, ClinGen allele CA387463929.

ClinVar aggregate classification (germline): Uncertain significance (1 of 4 stars; one submission).

Conditions:
Cataract 14 multiple types. Also called: CATARACT 14, ZONULAR PULVERULENT; CATARACT 14, NUCLEAR PULVERULENT; CATARACT 14, NUCLEAR PULVERULENT AND POSTERIOR POLAR; CATARACT 14, NUCLEAR CORALLIFORM; CATARACT 14, EMBRYONAL NUCLEAR; CATARACT 14, COPPOCK-LIKE. Identifiers: Orphanet 91492, MedGen C1866078, MONDO:0011162, OMIM 601885.

Allele frequency attached by ClinVar (database versions not stated): gnomAD exomes 0.00001.
gnomAD v4.1: 13 of 1,613,198 alleles (0.00081%); highest among the groups gnomAD compares: Non-Finnish European, 0.0011%; no homozygotes.

Submission:

Labcorp Genetics (formerly Invitae), Labcorp
Classification: Uncertain significance for Cataract 14 multiple types. Last evaluated: 2022-08-12. Review status: criteria provided, single submitter. Criteria: Invitae Variant Classification Sherloc (09022015). Collection method: clinical testing. Allele origin: germline.
Comment: This sequence change replaces leucine, which is neutral and non-polar, with valine, which is neutral and non-polar, at codon 225 of the GJA3 protein (p.Leu225Val). This variant is present in population databases (no rsID available, gnomAD 0.0009%). This variant has not been reported in the literature in individuals affected with GJA3-related conditions. Algorithms developed to predict the effect of missense changes on protein structure and function (SIFT, PolyPhen-2, Align-GVGD) all suggest that this variant is likely to be disruptive. In summary, the available evidence is currently insufficient to determine the role of this variant in disease. Therefore, it has been classified as a Variant of Uncertain Significance.